The following is an entry in ClinVar:

ClinVar aggregate classification (germline): Uncertain significance (1 of 4 stars; one submission).

Conditions:
Developmental and epileptic encephalopathy, 12 (DEE12). Identifiers: MedGen C3150988, MONDO:0013389, OMIM 613722.

Allele frequency attached by ClinVar (database versions not stated): gnomAD 0.00001.

Submission:

Labcorp Genetics (formerly Invitae), Labcorp
Classification: Uncertain significance for Developmental and epileptic encephalopathy, 12. Last evaluated: 2018-11-13. Review status: criteria provided, single submitter. Criteria: Invitae Variant Classification Sherloc (09022015). Collection method: clinical testing. Allele origin: germline.
Comment: In summary, the available evidence is currently insufficient to determine the role of this variant in disease. Therefore, it has been classified as a Variant of Uncertain Significance. Nucleotide substitutions within the consensus splice site are a relatively common cause of aberrant splicing (PMID: 17576681, 9536098). Algorithms developed to predict the effect of sequence changes on RNA splicing suggest that this variant may disrupt the consensus splice site, but this prediction has not been confirmed by published transcriptional studies. This variant has not been reported in the literature in individuals with PLCB1-related disease. This variant is not present in population databases (ExAC no frequency). This sequence change falls in intron 15 of the PLCB1 gene. It does not directly change the encoded amino acid sequence of the PLCB1 protein, but it affects a nucleotide within the consensus splice site of the intron.

Literature cited by the submitters: PubMed 17576681; PubMed 9536098.

NM_015192.4(PLCB1):c.1582-3C>A

Gene: PLCB1 (phospholipase C beta 1; plus strand). Cytogenetic location: 20p12.3.
Variant type: single nucleotide variant.
Coding change: c.1582-3C>A on transcript NM_015192.4 (MANE Select); 3 bases into the intron before coding-DNA position 1582, C replaced by A.
Molecular consequence: intron variant.
Genome position (GRCh38, 1-based): chr20:8,724,653, C>A. VCF-style: chr20-8724653-C-A. GRCh37 (hg19) VCF-style: chr20-8705300-C-A.
Other names: c.1582-3C>A (NM_182734.3).
Identifiers: ClinVar variation 567130 (VCV000567130.10), dbSNP rs1055626063, ClinGen allele CA891844140.
Genomic context (GRCh38, chr20:8,724,653, plus strand): 5'-GGAAAATAACTGATAATATAATGCTGACTCTGGAAATGTTTTCTTTTTTATTCCTACTTC[C>A]AGGGGACTGCTGGAAGTGAGGCTATGGCCACAGAAGAAATGTCTAATCTGGTGAACTATA-3'